The following is an entry in ClinVar:

NM_000548.5(TSC2):c.5102_5104del (p.Lys1701del)

Gene: TSC2 (TSC complex subunit 2; plus strand). Cytogenetic location: 16p13.3.
Variant type: Deletion.
Coding change: c.5102_5104del on transcript NM_000548.5 (MANE Select); coding-DNA positions 5102 to 5104, 3 bases deleted (AGA; older notation c.5102_5104delAGA).
Protein change: p.Lys1701del; deletes lysine 1701.
Molecular consequence: non-coding transcript variant (on NR_176225.1).
Genome position (GRCh38, 1-based): chr16:2,088,081-2,088,083, AGA deleted; deleting any 3 consecutive bases within chr16:2,088,080-2,088,083 gives the same sequence; the c. name uses the placement nearest the transcript's 3' end. VCF-style (leftmost placement, unchanged base first): chr16-2088079-CAAG-C. GRCh37 (hg19) VCF-style: chr16-2138080-CAAG-C.
Other names: c.5102_5104del (NM_000548.3); c.4901_4903del, p.Lys1634del (NM_001077183.3); c.5033_5035del, p.Lys1678del (NM_001114382.3); c.4793_4795del, p.Lys1598del (NM_001318827.2); c.4757_4759del, p.Lys1586del (NM_001318829.2); c.4370_4372del, p.Lys1457del (NM_001318831.2); c.4934_4936del, p.Lys1645del (NM_001318832.2); c.4904_4906del, p.Lys1635del (NM_001363528.2); and 27 more; short protein forms K1100del, K1186del, K1187del, K1209del, K1210del, K1230del, K1434del, K1435del.
Identifiers: ClinVar variation 2679341 (VCV002679341.4), dbSNP rs2544477667, ClinGen allele CA2695197401.
Genomic context (GRCh38, chr16:2,088,079, plus strand): 5'-GGCCTGGCGTGACCACCAAGTCTCCCCAGACATGGAGGGCCTTGTGGACACCAGCGTGGC[CAAG>C]ATCGTGTCTGACCGCAACCTGCCCTTCGTGGCCCGCCAGATGGCCCTGCACGCAAATGTG-3'

ClinVar aggregate classification (germline): Uncertain significance. Review status: criteria provided, multiple submitters, no conflicts (2 of 4 stars). 3 submissions from 3 submitters: Uncertain significance (3). Last evaluated 2024-09-19.

Conditions:
Tuberous sclerosis 2 (TSC2). Identifiers: Orphanet 805, MedGen C1860707, MONDO:0013199, OMIM 613254.
Isolated focal cortical dysplasia type II (FCORD2). Also called: Focal cortical dysplasia type II; CORTICAL DYSPLASIA OF TAYLOR. Identifiers: Orphanet 268994, MedGen C1846385, MONDO:0011818, OMIM 607341, HP:0032051.

Submissions (3):

Quest Diagnostics Nichols Institute San Juan Capistrano
Classification: Uncertain significance. Last evaluated: 2024-09-19. Review status: criteria provided, single submitter. Criteria: Quest Diagnostics criteria. Collection method: clinical testing. Allele origin: unknown.
Comment: The TSC2 c.5102_5104del (p.Lys1701del) variant has not been reported in individuals with TSC2-related conditions in the published literature. It also has not been reported in large, multi-ethnic general populations (Genome Aggregation Database). Based on the available information, we are unable to determine the clinical significance of this variant.

Labcorp Genetics (formerly Invitae), Labcorp
Classification: Uncertain significance for Tuberous sclerosis 2. Last evaluated: 2024-08-08. Review status: criteria provided, single submitter. Criteria: Invitae Variant Classification Sherloc (09022015). Collection method: clinical testing. Allele origin: germline.
Comment: This variant, c.5102_5104del, results in the deletion of 1 amino acid(s) of the TSC2 protein (p.Lys1701del), but otherwise preserves the integrity of the reading frame. This variant is not present in population databases (gnomAD no frequency). This variant has not been reported in the literature in individuals affected with TSC2-related conditions. Experimental studies and prediction algorithms are not available or were not evaluated, and the functional significance of this variant is currently unknown. In summary, the available evidence is currently insufficient to determine the role of this variant in disease. Therefore, it has been classified as a Variant of Uncertain Significance.

Baylor Genetics
Classification: Uncertain significance for Isolated focal cortical dysplasia type II. Last evaluated: 2023-06-02. Review status: criteria provided, single submitter. Criteria: ACMG Guidelines, 2015. Collection method: clinical testing. Allele origin: unknown.